The following is an entry in ClinVar:

ClinVar aggregate classification (germline): Likely pathogenic (1 of 4 stars; one submission).

Conditions:
Frontotemporal dementia and/or amyotrophic lateral sclerosis 1 (FTDALS1). Also called: Frontotemporal dementia with motor neuron disease 1; C9orf72 Frontotemporal Dementia and/or Amyotrophic Lateral Sclerosis. Identifiers: Orphanet 275872, MedGen C5779877, MONDO:0007105, OMIM 105550.
Paget disease of bone 2, early-onset (PDB2). Also called: Paget disease of bone 2. Identifiers: MedGen C4085251, MONDO:0011183, OMIM 602080.

Submission:

Labcorp Genetics (formerly Invitae), Labcorp
Classification: Likely pathogenic for Paget disease of bone 2, early-onset; Frontotemporal dementia and/or amyotrophic lateral sclerosis 1. Last evaluated: 2024-09-12. Review status: criteria provided, single submitter. Criteria: Invitae Variant Classification Sherloc (09022015). Collection method: clinical testing. Allele origin: germline.
Comment: This sequence change creates a premature translational stop signal (p.Leu382Phefs*10) in the SQSTM1 gene. While this is not anticipated to result in nonsense mediated decay, it is expected to disrupt the last 59 amino acid(s) of the SQSTM1 protein. This variant is not present in population databases (gnomAD no frequency). This variant has not been reported in the literature in individuals affected with SQSTM1-related conditions. This variant is located in a region of the SQSTM1 protein where a significant number of SQSTM1 nonsense and frameshift mutations have been reported in association with autosomal dominant SQSTM1-associated Paget disease of bone (PMID: 16813535, 14584883, 12374763, 25664955). In summary, the currently available evidence indicates that the variant is pathogenic, but additional data are needed to prove that conclusively. Therefore, this variant has been classified as Likely Pathogenic.

Literature cited by the submitters: PubMed 16813535; PubMed 14584883; PubMed 12374763; PubMed 25664955.

NM_003900.5(SQSTM1):c.1145dup (p.Leu382fs)

Gene: SQSTM1 (sequestosome 1; plus strand). Cytogenetic location: 5q35.3.
Variant type: Duplication.
Coding change: c.1145dup on transcript NM_003900.5 (MANE Select); coding-DNA position 1145, one base duplicated (T; older notation c.1145dupT).
Protein change: p.Leu382fs; shifts the reading frame from leucine 382.
Molecular consequence: frameshift variant.
Genome position (GRCh38, 1-based): chr5:179,833,762, T duplicated; the last of 2 consecutive T bases (chr5:179,833,761-179,833,762); duplicating either gives the same sequence. VCF-style (leftmost placement, unchanged base first): chr5-179833760-C-CT. GRCh37 (hg19) VCF-style: chr5-179260760-C-CT.
Other names: c.893dup, p.Leu298fs (NM_001142298.2, NM_001142299.2); short protein forms L298fs, L382fs.
Identifiers: ClinVar variation 3749705 (VCV003749705.2).